The following is an entry in ClinVar:

ClinVar aggregate classification (germline): Uncertain significance. Review status: criteria provided, multiple submitters, no conflicts (2 of 4 stars). 2 submissions from 2 submitters: Uncertain significance (2). Last evaluated 2024-02-16.

Conditions:
Primary open angle glaucoma (POAG). Also called: OPTN-related open angle glaucoma. Identifiers: MedGen C0339573, MONDO:0100553, OMIM 137760.
Glaucoma 1, open angle, E. Identifiers: MedGen C1842026, MONDO:0007665.
Amyotrophic lateral sclerosis type 12 (ALS12). Also called: AMYOTROPHIC LATERAL SCLEROSIS 12 WITH OR WITHOUT FRONTOTEMPORAL DEMENTIA. Identifiers: Orphanet 803, MedGen C3150692, MONDO:0013264, OMIM 613435.
Inborn genetic diseases. Identifiers: MedGen C0950123, MeSH D030342.

Allele frequency attached by ClinVar (database versions not stated): ExAC 0.00002; gnomAD exomes 0.00002; TOPMed 0.00002; gnomAD 0.00005; 1000 Genomes Project 30x 0.00016; 1000 Genomes Project 0.00020.
gnomAD v4.1: 30 of 1,610,300 alleles (0.0019%); highest among the groups gnomAD compares: East Asian, 0.036%; no homozygotes.

Submissions (2):

Labcorp Genetics (formerly Invitae), Labcorp
Classification: Uncertain significance for Primary open angle glaucoma; Glaucoma 1, open angle, E; Amyotrophic lateral sclerosis type 12. Last evaluated: 2024-02-16. Review status: criteria provided, single submitter. Criteria: Invitae Variant Classification Sherloc (09022015). Collection method: clinical testing. Allele origin: germline.
Comment: This sequence change replaces isoleucine, which is neutral and non-polar, with threonine, which is neutral and polar, at codon 407 of the OPTN protein (p.Ile407Thr). This variant is present in population databases (rs557678153, gnomAD 0.05%). This missense change has been observed in individual(s) with OPTN-related conditions (PMID: 16681888, 31198474). ClinVar contains an entry for this variant (Variation ID: 1753044). Algorithms developed to predict the effect of missense changes on protein structure and function output the following: SIFT: "Not Available"; PolyPhen-2: "Benign"; Align-GVGD: "Not Available". The threonine amino acid residue is found in multiple mammalian species, which suggests that this missense change does not adversely affect protein function. In summary, the available evidence is currently insufficient to determine the role of this variant in disease. Therefore, it has been classified as a Variant of Uncertain Significance.

Ambry Genetics
Classification: Uncertain significance for Inborn genetic diseases. Last evaluated: 2021-01-05. Review status: criteria provided, single submitter. Criteria: Ambry Variant Classification Scheme 2023. Collection method: clinical testing. Allele origin: germline.
Comment: The p.I407T variant (also known as c.1220T>C), located in coding exon 9 of the OPTN gene, results from a T to C substitution at nucleotide position 1220. The isoleucine at codon 407 is replaced by threonine, an amino acid with similar properties. This amino acid position is not well conserved in available vertebrate species. In addition, the in silico prediction for this alteration is inconclusive. Based on the supporting evidence, this variant is unlikely to be causative of autosomal dominant amyotrophic lateral sclerosis; however, its contribution to the development of autosomal recessive amyotrophic lateral sclerosis is uncertain.

Literature cited by the submitters: PubMed 16681888 (cited by Labcorp Genetics (formerly Invitae), Labcorp); PubMed 31198474 (cited by Labcorp Genetics (formerly Invitae), Labcorp).

NM_001008212.2(OPTN):c.1220T>C (p.Ile407Thr)

Gene: OPTN (optineurin; plus strand). Cytogenetic location: 10p13.
Variant type: single nucleotide variant.
Coding change: c.1220T>C on transcript NM_001008212.2 (MANE Select); coding-DNA position 1220, T replaced by C.
Protein change: p.Ile407Thr; replaces isoleucine 407 with threonine.
Molecular consequence: missense variant.
Genome position (GRCh38, 1-based): chr10:13,126,017, T>C. VCF-style: chr10-13126017-T-C. GRCh37 (hg19) VCF-style: chr10-13168017-T-C.
Other names: c.1220T>C, p.Ile407Thr (NM_001008211.1, NM_001008213.1, NM_021980.4); short protein forms I407T.
Identifiers: ClinVar variation 1753044 (VCV001753044.5), dbSNP rs557678153, ClinGen allele CA5410903.